The following is an entry in ClinVar:

NM_022089.4(ATP13A2):c.401T>C (p.Val134Ala)

Gene: ATP13A2 (ATPase cation transporting 13A2; minus strand). Cytogenetic location: 1p36.13.
Variant type: single nucleotide variant.
Coding change: c.401T>C on transcript NM_022089.4 (MANE Select); coding-DNA position 401, T replaced by C.
Protein change: p.Val134Ala; replaces valine 134 with alanine.
Molecular consequence: missense variant.
Genome position (GRCh38, 1-based): chr1:17,004,768, A>G on the plus strand (T>C on the coding strand, the complement: ATP13A2 is on the minus strand). VCF-style: chr1-17004768-A-G. GRCh37 (hg19) VCF-style: chr1-17331263-A-G.
Other names: c.401T>C, p.Val134Ala (NM_001141973.3, NM_001141974.3); short protein forms V134A.
Identifiers: ClinVar variation 1489238 (VCV001489238.6), dbSNP rs2101102735, ClinGen allele CA338263349.
Genomic context (GRCh38, chr1:17,004,768, plus strand): 5'-GCCTCCTCGCTCTTGTGGAGCTGGGCCGTATCCTTCCAGGCACCCTCTGGTACCGCCCCA[A>G]CTGCCGCCTGGCTCCGGCCATCCTCTGCCTGGGACTGTGGGGACGGCTCCAGGCTGGGGA-3'
Protein context (NP_071372.1, residues 124-144): QAEDGRSQAA[Val134Ala]GAVPEGAWKD

ClinVar aggregate classification (germline): Uncertain significance (1 of 4 stars; one submission).

Conditions:
Kufor-Rakeb syndrome (KRS). Also called: PARKINSON DISEASE 9, AUTOSOMAL RECESSIVE, JUVENILE-ONSET. Identifiers: Orphanet 306674, Orphanet 314632, MedGen C1847640, MONDO:0011706, OMIM 606693.
Autosomal recessive spastic paraplegia type 78. Identifiers: Orphanet 513436, MedGen C5567893, MONDO:0014975, OMIM 617225.

Submission:

Labcorp Genetics (formerly Invitae), Labcorp
Classification: Uncertain significance for Kufor-Rakeb syndrome; Autosomal recessive spastic paraplegia type 78. Last evaluated: 2021-10-04. Review status: criteria provided, single submitter. Criteria: Invitae Variant Classification Sherloc (09022015). Collection method: clinical testing. Allele origin: germline.
Comment: In summary, the available evidence is currently insufficient to determine the role of this variant in disease. Therefore, it has been classified as a Variant of Uncertain Significance. Advanced modeling of protein sequence and biophysical properties (such as structural, functional, and spatial information, amino acid conservation, physicochemical variation, residue mobility, and thermodynamic stability) performed at Invitae indicates that this missense variant is not expected to disrupt ATP13A2 protein function. This variant has not been reported in the literature in individuals affected with ATP13A2-related conditions. This variant is not present in population databases (ExAC no frequency). This sequence change replaces valine with alanine at codon 134 of the ATP13A2 protein (p.Val134Ala). The valine residue is moderately conserved and there is a small physicochemical difference between valine and alanine.